The following is an entry in ClinVar:

NM_000094.4(COL7A1):c.3016C>T (p.Leu1006Phe)

Gene: COL7A1 (collagen type VII alpha 1 chain; minus strand). Cytogenetic location: 3p21.31.
Variant type: single nucleotide variant.
Coding change: c.3016C>T on transcript NM_000094.4 (MANE Select); coding-DNA position 3016, C replaced by T.
Protein change: p.Leu1006Phe; replaces leucine 1006 with phenylalanine.
Molecular consequence: missense variant.
Genome position (GRCh38, 1-based): chr3:48,587,313, G>A on the plus strand (C>T on the coding strand, the complement: COL7A1 is on the minus strand). VCF-style: chr3-48587313-G-A. GRCh37 (hg19) VCF-style: chr3-48624746-G-A.
Other names: short protein forms L1006F.
Identifiers: ClinVar variation 1062100 (VCV001062100.5), dbSNP rs1305255095, ClinGen allele CA352713334.

ClinVar aggregate classification (germline): Uncertain significance (1 of 4 stars; one submission).

Allele frequency attached by ClinVar (database versions not stated): gnomAD exomes below 0.00001; TOPMed below 0.00001; gnomAD 0.00001.
gnomAD v4.1: 4 of 1,601,552 alleles (0.00025%); highest among the groups gnomAD compares: African/African-American, 0.004%; no homozygotes.

Submission:

Labcorp Genetics (formerly Invitae), Labcorp
Classification: Uncertain significance. Last evaluated: 2021-01-17. Review status: criteria provided, single submitter. Criteria: Invitae Variant Classification Sherloc (09022015). Collection method: clinical testing. Allele origin: germline.
Comment: In summary, the available evidence is currently insufficient to determine the role of this variant in disease. Therefore, it has been classified as a Variant of Uncertain Significance. Algorithms developed to predict the effect of missense changes on protein structure and function are either unavailable or do not agree on the potential impact of this missense change (SIFT: "Deleterious"; PolyPhen-2: "Not Available"; Align-GVGD: "Class C0"). This variant has not been reported in the literature in individuals with COL7A1-related conditions. This variant is not present in population databases (ExAC no frequency). This sequence change replaces leucine with phenylalanine at codon 1006 of the COL7A1 protein (p.Leu1006Phe). The leucine residue is moderately conserved and there is a small physicochemical difference between leucine and phenylalanine.